The following is an entry in ClinVar:

NM_001289808.2(CRYAB):c.193C>A (p.Leu65Ile)

Gene: CRYAB (crystallin alpha B; minus strand). Cytogenetic location: 11q23.1.
Variant type: single nucleotide variant.
Coding change: c.193C>A on transcript NM_001289808.2 (MANE Select); coding-DNA position 193, C replaced by A.
Protein change: p.Leu65Ile; replaces leucine 65 with isoleucine.
Molecular consequence: missense variant.
Genome position (GRCh38, 1-based): chr11:111,911,532, G>T on the plus strand (C>A on the coding strand, the complement: CRYAB is on the minus strand). VCF-style: chr11-111911532-G-T. GRCh37 (hg19) VCF-style: chr11-111782256-G-T.
Other names: c.193C>A, p.Leu65Ile (NM_001289807.1, NM_001368245.1, NM_001885.3); c.193C>A (NM_001885.1); short protein forms L65I.
Identifiers: ClinVar variation 2145943 (VCV002145943.5), dbSNP rs1555165540, ClinGen allele CA382600035.
Genomic context (GRCh38, chr11:111,911,532, plus strand): 5'-TTCCAGGAGGTTCCAGTAAGGACTCTCCCGTCCTAGCTGTGGGGAGACTCACCTCTGAGA[G>T]TCCAGTGTCAAACCAGCTGGGTGCCCGCAGGAAGGAGGGTGGCCGAAGGTAGAAGGGACT-3'
Protein context (NP_001276737.1, residues 55-75): LRAPSWFDTG[Leu65Ile]SEMRLEKDRF

ClinVar aggregate classification (germline): Uncertain significance. Review status: criteria provided, multiple submitters, no conflicts (2 of 4 stars). 2 submissions from 2 submitters: Uncertain significance (2). Last evaluated 2026-07-09.

Conditions:
Dilated cardiomyopathy 1II (CMD1II). Identifiers: Orphanet 154, MedGen C3554649, MONDO:0014073, OMIM 615184.
Cardiovascular phenotype. Identifiers: MedGen CN230736.

Allele frequency attached by ClinVar (database versions not stated): gnomAD 0.00001; gnomAD exomes below 0.00001; TOPMed below 0.00001.
gnomAD v4.1: 3 of 1,610,204 alleles (0.00019%); highest among the groups gnomAD compares: South Asian, 0.0033%; no homozygotes.

Submissions (2):

Ambry Genetics
Classification: Uncertain significance for Cardiovascular phenotype. Last evaluated: 2026-07-09. Review status: criteria provided, single submitter. Criteria: Ambry Variant Classification Scheme 2023. Collection method: clinical testing. Allele origin: germline.
Comment: The p.L65I variant (also known as c.193C>A), located in coding exon 1 of the CRYAB gene, results from a C to A substitution at nucleotide position 193. The leucine at codon 65 is replaced by isoleucine, an amino acid with highly similar properties. This amino acid position is conserved. In addition, this alteration is predicted to be tolerated by in silico analysis. Based on the available evidence, the clinical significance of this variant remains unclear.

Labcorp Genetics (formerly Invitae), Labcorp
Classification: Uncertain significance for Dilated cardiomyopathy 1II. Last evaluated: 2025-07-03. Review status: criteria provided, single submitter. Criteria: Invitae Variant Classification Sherloc (09022015). Collection method: clinical testing. Allele origin: germline.
Comment: This sequence change replaces leucine, which is neutral and non-polar, with isoleucine, which is neutral and non-polar, at codon 65 of the CRYAB protein (p.Leu65Ile). The frequency data for this variant in the population databases is considered unreliable, as metrics indicate poor data quality at this position in the gnomAD database. This variant has not been reported in the literature in individuals affected with CRYAB-related conditions. ClinVar contains an entry for this variant (Variation ID: 2145943). An algorithm developed to predict the effect of missense changes on protein structure and function (PolyPhen-2) suggests that this variant is likely to be tolerated. In summary, the available evidence is currently insufficient to determine the role of this variant in disease. Therefore, it has been classified as a Variant of Uncertain Significance.